The following is an entry in ClinVar:

ClinVar aggregate classification (germline): Uncertain significance (1 of 4 stars; one submission).

Conditions:
Malignant hyperthermia, susceptibility to, 5 (MHS5). Also called: CACNA1S-Related Malignant Hyperthermia Susceptibility. Identifiers: Orphanet 423, MedGen C1866077, MONDO:0011163, OMIM 601887.
Hypokalemic periodic paralysis, type 1. Also called: HypoPP; Hypokalemic Periodic Paralysis Type 1 (AD). Identifiers: Orphanet 681, MedGen C3714580, MONDO:0042979, OMIM 170400.

Submission:

Labcorp Genetics (formerly Invitae), Labcorp
Classification: Uncertain significance for Hypokalemic periodic paralysis, type 1; Malignant hyperthermia, susceptibility to, 5. Last evaluated: 2025-07-22. Review status: criteria provided, single submitter. Criteria: Invitae Variant Classification Sherloc (09022015). Collection method: clinical testing. Allele origin: germline.
Comment: This sequence change replaces cysteine, which is neutral and slightly polar, with tyrosine, which is neutral and polar, at codon 44 of the CACNA1S protein (p.Cys44Tyr). This variant is not present in population databases (gnomAD no frequency). This variant has not been reported in the literature in individuals affected with CACNA1S-related conditions. Invitae Evidence Modeling of protein sequence and biophysical properties (such as structural, functional, and spatial information, amino acid conservation, physicochemical variation, residue mobility, and thermodynamic stability) has been performed for this missense variant. However, the output from this modeling did not meet the statistical confidence thresholds required to predict the impact of this variant on CACNA1S protein function. In summary, the available evidence is currently insufficient to determine the role of this variant in disease. Therefore, it has been classified as a Variant of Uncertain Significance.

NM_000069.3(CACNA1S):c.131G>A (p.Cys44Tyr)

Gene: CACNA1S (calcium voltage-gated channel subunit alpha1 S; minus strand). Cytogenetic location: 1q32.1.
Variant type: single nucleotide variant.
Coding change: c.131G>A on transcript NM_000069.3 (MANE Select); coding-DNA position 131, G replaced by A.
Protein change: p.Cys44Tyr; replaces cysteine 44 with tyrosine.
Molecular consequence: missense variant.
Genome position (GRCh38, 1-based): chr1:201,112,209, C>T on the plus strand (G>A on the coding strand, the complement: CACNA1S is on the minus strand). VCF-style: chr1-201112209-C-T. GRCh37 (hg19) VCF-style: chr1-201081337-C-T.
Other names: short protein forms C44Y.
Identifiers: ClinVar variation 4792502 (VCV004792502.1).